The following is an entry in ClinVar:

ClinVar aggregate classification (germline): Uncertain significance. Review status: criteria provided, multiple submitters, no conflicts (2 of 4 stars). 3 submissions from 3 submitters: Uncertain significance (3). Last evaluated 2023-05-31.

Conditions:
ARFGEF1-related disorder. Also called: ARFGEF1-related condition.
Inborn genetic diseases. Identifiers: MedGen C0950123, MeSH D030342.

Allele frequency attached by ClinVar (database versions not stated): gnomAD exomes below 0.00001; gnomAD 0.00001; TOPMed 0.00001.
gnomAD v4.1: 7 of 1,585,968 alleles (0.00044%); highest among the groups gnomAD compares: African/African-American, 0.0013%; no homozygotes.

Submissions (3):

Ambry Genetics
Classification: Uncertain significance for Inborn genetic diseases. Last evaluated: 2023-05-31. Review status: criteria provided, single submitter. Criteria: Ambry Variant Classification Scheme 2023. Collection method: clinical testing. Allele origin: germline.

PreventionGenetics, part of Exact Sciences
Classification: Uncertain significance for ARFGEF1-related condition. Last evaluated: 2023-03-03. Review status: criteria provided, single submitter. Criteria: ACMG Guidelines, 2015. Collection method: clinical testing. Allele origin: germline.
Comment: The ARFGEF1 c.2650A>G variant is predicted to result in the amino acid substitution p.Met884Val. To our knowledge, this variant has not been reported in the literature. This variant is reported in 0.0047% of alleles in individuals of European (Finnish) descent in gnomAD. At this time, the clinical significance of this variant is uncertain due to the absence of conclusive functional and genetic evidence.

HudsonAlpha Institute for Biotechnology
Classification: Uncertain significance. Last evaluated: 2019-06-25. Review status: criteria provided, single submitter. Criteria: ACMG Guidelines, 2015. Collection method: research. Allele origin: paternal. Observed: 4 variant alleles. Clinical features observed: Global developmental delay (HP:0001263), Autistic disorder of childhood onset (HP:0000717), Strabismus (HP:0000486), Seizures (HP:0001250), Autistic behavior (HP:0000729), Delayed speech and language development (HP:0000750), Speech articulation difficulties (HP:0009088), Behavioral abnormality (HP:0000708). Study: HudsonAlpha-AGHI-WGS.

NM_006421.5(ARFGEF1):c.2650A>G (p.Met884Val)

Gene: ARFGEF1 (ARF guanine nucleotide exchange factor 1; minus strand). Cytogenetic location: 8q13.2.
Variant type: single nucleotide variant.
Coding change: c.2650A>G on transcript NM_006421.5 (MANE Select); coding-DNA position 2650, A replaced by G.
Protein change: p.Met884Val; replaces methionine 884 with valine.
Molecular consequence: missense variant.
Genome position (GRCh38, 1-based): chr8:67,253,499, T>C on the plus strand (A>G on the coding strand, the complement: ARFGEF1 is on the minus strand). VCF-style: chr8-67253499-T-C. GRCh37 (hg19) VCF-style: chr8-68165734-T-C.
Other names: short protein forms M884V.
Identifiers: ClinVar variation 689630 (VCV000689630.4), dbSNP rs1490604083, ClinGen allele CA371212800.